The following is an entry in ClinVar:

ClinVar aggregate classification (germline): Uncertain significance (1 of 4 stars; one submission).

Conditions:
Familial focal epilepsy with variable foci (FPEVF). Identifiers: Orphanet 98820, MedGen C1858477, MONDO:0020310.

Allele frequency attached by ClinVar (database versions not stated): TOPMed below 0.00001; ExAC 0.00001; gnomAD 0.00001; gnomAD exomes 0.00001.
gnomAD v4.1: 5 of 1,567,926 alleles (0.00032%); highest among the groups gnomAD compares: Non-Finnish European, 0.00043%; no homozygotes.

Submission:

Labcorp Genetics (formerly Invitae), Labcorp
Classification: Uncertain significance for Familial focal epilepsy with variable foci. Last evaluated: 2022-05-21. Review status: criteria provided, single submitter. Criteria: Invitae Variant Classification Sherloc (09022015). Collection method: clinical testing. Allele origin: germline.
Comment: In summary, the available evidence is currently insufficient to determine the role of this variant in disease. Therefore, it has been classified as a Variant of Uncertain Significance. Algorithms developed to predict the effect of missense changes on protein structure and function are either unavailable or do not agree on the potential impact of this missense change (SIFT: "Tolerated"; PolyPhen-2: "Not Available"; Align-GVGD: "Class C0"). This variant has not been reported in the literature in individuals affected with DEPDC5-related conditions. This variant is present in population databases (rs761075003, gnomAD 0.001%). This sequence change replaces proline, which is neutral and non-polar, with serine, which is neutral and polar, at codon 1119 of the DEPDC5 protein (p.Pro1119Ser).

NM_001242896.3(DEPDC5):c.3355C>T (p.Pro1119Ser)

Gene: DEPDC5 (DEP domain containing 5, GATOR1 subcomplex subunit; plus strand). Cytogenetic location: 22q12.3.
Variant type: single nucleotide variant.
Coding change: c.3355C>T on transcript NM_001242896.3 (MANE Select); coding-DNA position 3355, C replaced by T.
Protein change: p.Pro1119Ser; replaces proline 1119 with serine.
Molecular consequence: missense variant. On other transcripts: non-coding transcript variant (5).
Genome position (GRCh38, 1-based): chr22:31,870,614, C>T. VCF-style: chr22-31870614-C-T. GRCh37 (hg19) VCF-style: chr22-32266600-C-T.
Other names: c.3055C>T, p.Pro1019Ser (NM_001242897.2); c.3289C>T, p.Pro1097Ser (NM_001364320.2, NM_001363852.2); c.3271C>T, p.Pro1091Ser (NM_001369901.1, NM_001369902.1); c.3262C>T, p.Pro1088Ser (NM_001369903.1, NM_014662.6); c.3121C>T, p.Pro1041Ser (NM_001363854.2, NM_001364319.2); c.3355C>T, p.Pro1119Ser (NM_001364318.2); c.3328C>T, p.Pro1110Ser (NM_001136029.4); short protein forms P1091S, P1110S, P1019S, P1041S, P1088S, P1097S, P1119S.
Identifiers: ClinVar variation 2155257 (VCV002155257.4), dbSNP rs761075003, ClinGen allele CA10196966.